The following is an entry in ClinVar:

NM_018161.5(NADSYN1):c.179C>T (p.Ser60Leu)

Gene: NADSYN1 (NAD synthetase 1; plus strand). Cytogenetic location: 11q13.4.
Variant type: single nucleotide variant.
Coding change: c.179C>T on transcript NM_018161.5 (MANE Select); coding-DNA position 179, C replaced by T.
Protein change: p.Ser60Leu; replaces serine 60 with leucine.
Molecular consequence: missense variant.
Genome position (GRCh38, 1-based): chr11:71,458,460, C>T. VCF-style: chr11-71458460-C-T. GRCh37 (hg19) VCF-style: chr11-71169506-C-T.
Other names: short protein forms S60L.
Identifiers: ClinVar variation 3352737 (VCV003352737.1).

ClinVar aggregate classification (germline): Uncertain significance (0 of 4 stars; one submission).

Conditions:
NADSYN1-related disorder. Also called: NADSYN1-related condition.

gnomAD v4.1: 27 of 1,613,828 alleles (0.0017%); highest among the groups gnomAD compares: East Asian, 0.0022%; no homozygotes.

Submission:

PreventionGenetics, part of Exact Sciences
Classification: Uncertain significance for NADSYN1-related condition. Last evaluated: 2024-09-27. Review status: no assertion criteria provided. Collection method: clinical testing. Allele origin: germline.
Comment: The NADSYN1 c.179C>T variant is predicted to result in the amino acid substitution p.Ser60Leu. To our knowledge, this variant has not been reported in the literature. This variant is reported in 0.0044% of alleles in individuals of European (non-Finnish) descent in gnomAD. At this time, the clinical significance of this variant is uncertain due to the absence of conclusive functional and genetic evidence.